The following is an entry in ClinVar:

ClinVar aggregate classification (germline): Uncertain significance (1 of 4 stars; one submission).

Submission:

GeneDx
Classification: Uncertain significance. Last evaluated: 2024-02-05. Review status: criteria provided, single submitter. Criteria: GeneDx Variant Classification Process June 2021. Collection method: clinical testing. Allele origin: germline. Affected: yes.
Comment: Not observed at significant frequency in large population cohorts (gnomAD); In silico analysis supports that this missense variant has a deleterious effect on protein structure/function; Has not been previously published as pathogenic or benign to our knowledge

NM_001394998.1(TANC2):c.2711G>A (p.Gly904Asp)

Genes: TANC2 (tetratricopeptide repeat, ankyrin repeat and coiled-coil containing 2; plus strand), LOC105371856 (uncharacterized LOC105371856; minus strand). Cytogenetic location: 17q23.3.
Variant type: single nucleotide variant.
Coding change: c.2711G>A on transcript NM_001394998.1 (MANE Select); coding-DNA position 2711, G replaced by A.
Protein change: p.Gly904Asp; replaces glycine 904 with aspartic acid.
Molecular consequence: missense variant.
Genome position (GRCh38, 1-based): chr17:63,388,654, G>A. VCF-style: chr17-63388654-G-A. GRCh37 (hg19) VCF-style: chr17-61466015-G-A.
Other names: c.2489G>A, p.Gly830Asp (NM_001411076.1, NM_025185.4); short protein forms G830D, G904D.
Identifiers: ClinVar variation 3368719 (VCV003368719.1).
Genomic context (GRCh38, chr17:63,388,654, plus strand): 5'-TTGCTGGGCTACTAATTTAATTGTCTGTATTTCTTATTCAGGGTTTGAGTAAAAAAGTTG[G>A]TGTATCATCCTCCATCCTCCAAGGTCTCTGGATCTCTTATAGCACAGAAGGTCTTTCCAT-3'
Protein context (NP_001381927.1, residues 894-914): HIFKGLSKKV[Gly904Asp]VSSSILQGLW